The following is an entry in ClinVar:

NM_001291867.2(NHS):c.3786G>A (p.Thr1262=)

Gene: NHS (NHS actin remodeling regulator; plus strand). Cytogenetic location: Xp22.13.
Variant type: single nucleotide variant.
Coding change: c.3786G>A on transcript NM_001291867.2 (MANE Select); coding-DNA position 3786, G replaced by A.
Protein change: p.Thr1262=; no amino-acid change (threonine 1262 retained).
Molecular consequence: synonymous variant.
Genome position (GRCh38, 1-based): chrX:17,727,892, G>A. VCF-style: chrX-17727892-G-A. GRCh37 (hg19) VCF-style: chrX-17746012-G-A.
Other names: c.3255G>A, p.Thr1085= (NM_001136024.4); c.3192G>A, p.Thr1064= (NM_001291868.2); c.3723G>A, p.Thr1241= (NM_198270.4).
Identifiers: ClinVar variation 435991 (VCV000435991.25), dbSNP rs150235442, ClinGen allele CA10358853.

ClinVar aggregate classification (germline): Likely benign. Review status: criteria provided, multiple submitters, no conflicts (2 of 4 stars). 4 submissions from 4 submitters: Likely benign (3). 1 of the submissions does not count toward it. Last evaluated 2025-06-01.

Conditions:
Nance-Horan syndrome (NHS). Identifiers: Orphanet 627, MedGen C0796085, MONDO:0010545, OMIM 302350.
NHS-related disorder. Also called: NHS-related condition.

Allele frequency attached by ClinVar (database versions not stated): gnomAD 0.00007 and 0.00008; gnomAD exomes 0.00008 and 0.00022; TOPMed 0.00008; ExAC 0.00009; ESP Exome Variant Server 0.00028.
gnomAD v4.1: 252 of 1,209,961 alleles (0.021%); highest among the groups gnomAD compares: Non-Finnish European, 0.026%; no homozygotes.

Submissions (4):

CeGaT Center for Human Genetics Tuebingen
Classification: Likely benign. Last evaluated: 2025-06-01. Review status: criteria provided, single submitter. Criteria: CeGaT Center For Human Genetics Tuebingen Variant Classification Criteria Version 2. Collection method: clinical testing. Allele origin: germline. Affected: yes. Observed: 1 variant allele.
Comment: NHS: BP4, BP7, BS2

Labcorp Genetics (formerly Invitae), Labcorp
Classification: Likely benign for Nance-Horan syndrome. Last evaluated: 2024-03-30. Review status: criteria provided, single submitter. Criteria: Invitae Variant Classification Sherloc (09022015). Collection method: clinical testing. Allele origin: germline.

Genetic Services Laboratory, University of Chicago
Classification: Likely benign. Last evaluated: 2016-06-24. Review status: criteria provided, single submitter. Criteria: ACMG Guidelines, 2015. Collection method: clinical testing. Allele origin: germline. Affected: no.

PreventionGenetics, part of Exact Sciences
Classification: Likely benign for NHS-related condition. Last evaluated: 2019-02-28. Review status: no assertion criteria provided. Collection method: clinical testing. Allele origin: germline. Not counted in ClinVar's aggregate classification.
Comment: This variant is classified as likely benign based on ACMG/AMP sequence variant interpretation guidelines (Richards et al. 2015 PMID: 25741868, with internal and published modifications).